The following is an entry in ClinVar:

ClinVar aggregate classification (germline): Uncertain significance. Review status: criteria provided, multiple submitters, no conflicts (2 of 4 stars). 3 submissions from 3 submitters: Uncertain significance (3). Last evaluated 2023-04-11.

Conditions:
Developmental and epileptic encephalopathy, 23 (DEE23). Also called: Epileptic encephalopathy, early infantile, 23. Identifiers: Orphanet 411986, MedGen C4014492, MONDO:0014371, OMIM 615859.

Allele frequency attached by ClinVar (database versions not stated): gnomAD exomes below 0.00001.
gnomAD v4.1: 1 of 1,601,666 alleles (0.000062%); highest among the groups gnomAD compares: Admixed American, 0.0017%; no homozygotes.

Submissions (3):

Genome-Nilou Lab
Classification: Uncertain significance for Developmental and epileptic encephalopathy, 23. Last evaluated: 2023-04-11. Review status: criteria provided, single submitter. Criteria: ACMG Guidelines, 2015. Collection method: clinical testing. Allele origin: germline. Affected: no.

Labcorp Genetics (formerly Invitae), Labcorp
Classification: Uncertain significance for Developmental and epileptic encephalopathy, 23. Last evaluated: 2020-10-27. Review status: criteria provided, single submitter. Criteria: Invitae Variant Classification Sherloc (09022015). Collection method: clinical testing. Allele origin: germline.
Comment: In summary, the available evidence is currently insufficient to determine the role of this variant in disease. Therefore, it has been classified as a Variant of Uncertain Significance. Algorithms developed to predict the effect of missense changes on protein structure and function (SIFT, PolyPhen-2, Align-GVGD) all suggest that this variant is likely to be tolerated, but these predictions have not been confirmed by published functional studies and their clinical significance is uncertain. This variant has not been reported in the literature in individuals with DOCK7-related conditions. ClinVar contains an entry for this variant (Variation ID: 804759). This variant is not present in population databases (ExAC no frequency). This sequence change replaces valine with isoleucine at codon 290 of the DOCK7 protein (p.Val290Ile). The valine residue is moderately conserved and there is a small physicochemical difference between valine and isoleucine.

Athena Diagnostics
Classification: Uncertain significance. Last evaluated: 2018-10-12. Review status: criteria provided, single submitter. Criteria: Athena Diagnostics Criteria. Collection method: clinical testing. Allele origin: germline.

NM_001367561.1(DOCK7):c.868G>A (p.Val290Ile)

Gene: DOCK7 (dedicator of cytokinesis 7; minus strand). Cytogenetic location: 1p31.3.
Variant type: single nucleotide variant.
Coding change: c.868G>A on transcript NM_001367561.1 (MANE Select); coding-DNA position 868, G replaced by A.
Protein change: p.Val290Ile; replaces valine 290 with isoleucine.
Molecular consequence: missense variant.
Genome position (GRCh38, 1-based): chr1:62,636,554, C>T on the plus strand (G>A on the coding strand, the complement: DOCK7 is on the minus strand). VCF-style: chr1-62636554-C-T. GRCh37 (hg19) VCF-style: chr1-63102225-C-T.
Other names: c.868G>A, p.Val290Ile (NM_001271999.2, NM_001272000.2, NM_001272001.2 and 3 more transcripts); short protein forms V290I.
Identifiers: ClinVar variation 804759 (VCV000804759.11), dbSNP rs1329011971, ClinGen allele CA340623043.
Genomic context (GRCh38, chr1:62,636,554, plus strand): 5'-AATGATTATGACAAATAACTATGGTCAAATTATATAATCTTACCTTTTTCTTTTCCTTGA[C>T]ATCATATAAAGCCAAACTTGCAAAAATGGGTTCAATTTCAATTTCAAACCTTTATGAAGA-3'
Protein context (NP_001354490.1, residues 280-300): PIFASLALYD[Val290Ile]KEKKKISENF